The following is an entry in ClinVar:

NM_024334.3(TMEM43):c.235A>C (p.Ser79Arg)

Gene: TMEM43 (transmembrane protein 43; plus strand). Cytogenetic location: 3p25.1.
Variant type: single nucleotide variant.
Coding change: c.235A>C on transcript NM_024334.3 (MANE Select); coding-DNA position 235, A replaced by C.
Protein change: p.Ser79Arg; replaces serine 79 with arginine.
Molecular consequence: missense variant.
Genome position (GRCh38, 1-based): chr3:14,130,894, A>C. VCF-style: chr3-14130894-A-C. GRCh37 (hg19) VCF-style: chr3-14172394-A-C.
Other names: short protein forms S79R.
Identifiers: ClinVar variation 934677 (VCV000934677.9), dbSNP rs930770110, ClinGen allele CA69729021.

ClinVar aggregate classification (germline): Uncertain significance (1 of 4 stars; one submission).

Conditions:
Arrhythmogenic right ventricular dysplasia 5. Also called: Arrhythmogenic Right Ventricular Dysplasia/Cardiomyopathy 5; ARRHYTHMOGENIC RIGHT VENTRICULAR DYSPLASIA, FAMILIAL, 5. Identifiers: MedGen C1858379, MONDO:0011459, OMIM 604400.

Allele frequency attached by ClinVar (database versions not stated): TOPMed 0.00001.

Submission:

Labcorp Genetics (formerly Invitae), Labcorp
Classification: Uncertain significance for Arrhythmogenic right ventricular dysplasia 5. Last evaluated: 2019-08-23. Review status: criteria provided, single submitter. Criteria: Invitae Variant Classification Sherloc (09022015). Collection method: clinical testing. Allele origin: germline.
Comment: In summary, the available evidence is currently insufficient to determine the role of this variant in disease. Therefore, it has been classified as a Variant of Uncertain Significance. Algorithms developed to predict the effect of missense changes on protein structure and function are either unavailable or do not agree on the potential impact of this missense change (SIFT: "Deleterious"; PolyPhen-2: "Benign"; Align-GVGD: "Class C0"). This variant has not been reported in the literature in individuals with TMEM43-related conditions. This variant is not present in population databases (ExAC no frequency). This sequence change replaces serine with arginine at codon 79 of the TMEM43 protein (p.Ser79Arg). The serine residue is moderately conserved and there is a moderate physicochemical difference between serine and arginine.